The following is an entry in ClinVar:

ClinVar aggregate classification (germline): Uncertain significance (1 of 4 stars; one submission).

Allele frequency attached by ClinVar (database versions not stated): gnomAD exomes below 0.00001; ExAC 0.00001; TOPMed 0.00001.
gnomAD v4.1: 1 of 1,608,788 alleles (0.000062%); highest among the groups gnomAD compares: Admixed American, 0.0017%; no homozygotes.

Submission:

Labcorp Genetics (formerly Invitae), Labcorp
Classification: Uncertain significance. Last evaluated: 2022-11-19. Review status: criteria provided, single submitter. Criteria: Invitae Variant Classification Sherloc (09022015). Collection method: clinical testing. Allele origin: germline.
Comment: This variant has not been reported in the literature in individuals affected with RMND1-related conditions. Advanced modeling of protein sequence and biophysical properties (such as structural, functional, and spatial information, amino acid conservation, physicochemical variation, residue mobility, and thermodynamic stability) performed at Invitae indicates that this missense variant is expected to disrupt RMND1 protein function. This sequence change replaces phenylalanine, which is neutral and non-polar, with leucine, which is neutral and non-polar, at codon 227 of the RMND1 protein (p.Phe227Leu). This variant is present in population databases (rs758319557, gnomAD 0.003%). In summary, the available evidence is currently insufficient to determine the role of this variant in disease. Therefore, it has been classified as a Variant of Uncertain Significance.

NM_017909.4(RMND1):c.681C>A (p.Phe227Leu)

Gene: RMND1 (required for meiotic nuclear division 1 homolog; minus strand). Cytogenetic location: 6q25.1.
Variant type: single nucleotide variant.
Coding change: c.681C>A on transcript NM_017909.4 (MANE Select); coding-DNA position 681, C replaced by A.
Protein change: p.Phe227Leu; replaces phenylalanine 227 with leucine.
Molecular consequence: missense variant.
Genome position (GRCh38, 1-based): chr6:151,433,163, G>T on the plus strand (C>A on the coding strand, the complement: RMND1 is on the minus strand). VCF-style: chr6-151433163-G-T. GRCh37 (hg19) VCF-style: chr6-151754298-G-T.
Other names: c.171C>A, p.Phe57Leu (NM_001271937.2); short protein forms F227L, F57L.
Identifiers: ClinVar variation 1713854 (VCV001713854.5), dbSNP rs758319557, ClinGen allele CA4050957.
Genomic context (GRCh38, chr6:151,433,163, plus strand): 5'-ATTACTTGACCCAAACCCATCATCACCTAATGGGGTTTCTTTCCTGTCTTACCTGAAGAA[G>T]AATATTGTTCCAGGATCACCTTCTTTTGCAGAATTTTCCACACCCATCACCAAAATATTT-3'
Protein context (NP_060379.2, residues 217-237): SAKEGDPGTI[Phe227Leu]FFREGAAVFW